The following is an entry in ClinVar:

ClinVar aggregate classification (germline): Uncertain significance (1 of 4 stars; one submission).

Conditions:
Cardiovascular phenotype. Identifiers: MedGen CN230736.

Submission:

Ambry Genetics
Classification: Uncertain significance for Cardiovascular phenotype. Last evaluated: 2021-09-26. Review status: criteria provided, single submitter. Criteria: Ambry Variant Classification Scheme 2023. Collection method: clinical testing. Allele origin: germline.
Comment: The p.A135G variant (also known as c.404C>G), located in coding exon 2 of the NKX2-5 gene, results from a C to G substitution at nucleotide position 404. The alanine at codon 135 is replaced by glycine, an amino acid with similar properties. This amino acid position is conserved. In addition, this alteration is predicted to be tolerated by in silico analysis. Since supporting evidence is limited at this time, the clinical significance of this alteration remains unclear.

NM_004387.4(NKX2-5):c.404C>G (p.Ala135Gly)

Gene: NKX2-5 (NK2 homeobox 5; minus strand). Cytogenetic location: 5q35.1.
Variant type: single nucleotide variant.
Coding change: c.404C>G on transcript NM_004387.4 (MANE Select); coding-DNA position 404, C replaced by G.
Protein change: p.Ala135Gly; replaces alanine 135 with glycine.
Molecular consequence: missense variant. On other transcripts: 3 prime UTR variant (2).
Genome position (GRCh38, 1-based): chr5:173,233,140, G>C on the plus strand (C>G on the coding strand, the complement: NKX2-5 is on the minus strand). VCF-style: chr5-173233140-G-C. GRCh37 (hg19) VCF-style: chr5-172660143-G-C.
Other names: c.*357C>G (NM_001166175.2); c.*203C>G (NM_001166176.2); short protein forms A135G.
Identifiers: ClinVar variation 1737347 (VCV001737347.2), dbSNP rs764551904, ClinGen allele CA362161928.